The following is an entry in ClinVar:

NM_006267.5(RANBP2):c.2129A>C (p.Tyr710Ser)

Gene: RANBP2 (RAN binding protein 2; plus strand). Cytogenetic location: 2q13.
Variant type: single nucleotide variant.
Coding change: c.2129A>C on transcript NM_006267.5 (MANE Select); coding-DNA position 2129, A replaced by C.
Protein change: p.Tyr710Ser; replaces tyrosine 710 with serine.
Molecular consequence: missense variant.
Genome position (GRCh38, 1-based): chr2:108,753,898, A>C. VCF-style: chr2-108753898-A-C. GRCh37 (hg19) VCF-style: chr2-109370354-A-C.
Other names: short protein forms Y710S.
Identifiers: ClinVar variation 537206 (VCV000537206.1), dbSNP rs1553490292, ClinGen allele CA348054352.
Genomic context (GRCh38, chr2:108,753,898, plus strand): 5'-AGGCAGAAGACATTGAAAATGATGCCCTTTCTCCTGAAGAACAAGAAGAATGCAAAAATT[A>C]TCTGAGAAAGACCAGGGACTACCTAATAAAGATTATAGATGACAGTGATTCAAATCTTTC-3'
Protein context (NP_006258.3, residues 700-720): SPEEQEECKN[Tyr710Ser]LRKTRDYLIK

ClinVar aggregate classification (germline): Uncertain significance (1 of 4 stars; one submission).

Conditions:
Familial acute necrotizing encephalopathy (IIAE3). Also called: Susceptibility to Acute Necrotizing Encephalopathy 1; ENCEPHALOPATHY, ACUTE, INFECTION-INDUCED, SUSCEPTIBILITY TO, 3. Identifiers: Orphanet 88619, MedGen C2675556, MONDO:0011953, OMIM 608033.

Submission:

Labcorp Genetics (formerly Invitae), Labcorp
Classification: Uncertain significance for Familial acute necrotizing encephalopathy. Last evaluated: 2017-11-29. Review status: criteria provided, single submitter. Criteria: Invitae Variant Classification Sherloc (09022015). Collection method: clinical testing. Allele origin: germline.
Comment: This sequence change replaces tyrosine with serine at codon 710 of the RANBP2 protein (p.Tyr710Ser). The tyrosine residue is highly conserved and there is a large physicochemical difference between tyrosine and serine. This variant is not present in population databases (ExAC no frequency). This variant has not been reported in the literature in individuals with RANBP2-related disease. Algorithms developed to predict the effect of missense changes on protein structure and function do not agree on the potential impact of this missense change (SIFT: "Deleterious"; PolyPhen-2: "Benign"; Align-GVGD: "Class C65"). In summary, the available evidence is currently insufficient to determine the role of this variant in disease. Therefore, it has been classified as a Variant of Uncertain Significance.